The following is an entry in ClinVar:

ClinVar aggregate classification (germline): Uncertain significance. Review status: criteria provided, multiple submitters, no conflicts (2 of 4 stars). 2 submissions from 2 submitters: Uncertain significance (2). Last evaluated 2025-08-25.

Conditions:
Hereditary cancer-predisposing syndrome. Also called: Neoplastic Syndromes, Hereditary; Tumor predisposition; Hereditary Cancer Syndrome; Hereditary neoplastic syndrome. Identifiers: Orphanet 140162, MedGen C0027672, MeSH D009386, MONDO:0015356.
Ataxia-telangiectasia syndrome (AT). Also called: LOUIS-BAR SYNDROME; Cerebello-oculocutaneous telangiectasia; Immunodeficiency with ataxia telangiectasia; Ataxia telangiectasia (A-T); Ataxia-telangiectasia, complementation group D; AT, COMPLEMENTATION GROUP C. Identifiers: Orphanet 100, MedGen C0004135, MONDO:0008840, OMIM 208900.

Allele frequency attached by ClinVar (database versions not stated): gnomAD exomes below 0.00001.
gnomAD v4.1: 1 of 1,614,212 alleles (0.000062%); highest among the groups gnomAD compares: Non-Finnish European, 0.000085%; no homozygotes.

Submissions (2):

Ambry Genetics
Classification: Uncertain significance for Hereditary cancer-predisposing syndrome. Last evaluated: 2025-08-25. Review status: criteria provided, single submitter. Criteria: Ambry Variant Classification Scheme 2023. Collection method: clinical testing. Allele origin: germline.
Comment: The p.L3026H variant (also known as c.9077T>A), located in coding exon 62 of the ATM gene, results from a T to A substitution at nucleotide position 9077. The leucine at codon 3026 is replaced by histidine, an amino acid with similar properties. This amino acid position is conserved. In addition, this alteration is predicted to be deleterious by in silico analysis. Based on the available evidence, the clinical significance of this variant remains unclear.

Labcorp Genetics (formerly Invitae), Labcorp
Classification: Uncertain significance for Ataxia-telangiectasia syndrome. Last evaluated: 2021-09-18. Review status: criteria provided, single submitter. Criteria: Invitae Variant Classification Sherloc (09022015). Collection method: clinical testing. Allele origin: germline.
Comment: In summary, the available evidence is currently insufficient to determine the role of this variant in disease. Therefore, it has been classified as a Variant of Uncertain Significance. Advanced modeling of protein sequence and biophysical properties (such as structural, functional, and spatial information, amino acid conservation, physicochemical variation, residue mobility, and thermodynamic stability) performed at Invitae indicates that this missense variant is expected to disrupt ATM protein function. This sequence change replaces leucine with histidine at codon 3026 of the ATM protein (p.Leu3026His). The leucine residue is highly conserved and there is a moderate physicochemical difference between leucine and histidine. This variant is not present in population databases (ExAC no frequency). This variant has not been reported in the literature in individuals affected with ATM-related conditions.

NM_000051.4(ATM):c.9077T>A (p.Leu3026His)

Genes: ATM (ATM serine/threonine kinase; plus strand), C11orf65 (chromosome 11 open reading frame 65; minus strand). Cytogenetic location: 11q22.3.
Variant type: single nucleotide variant.
Coding change: c.9077T>A on transcript NM_000051.4 (MANE Select); coding-DNA position 9077, T replaced by A.
Protein change: p.Leu3026His; replaces leucine 3026 with histidine.
Molecular consequence: missense variant. On other transcripts: intron variant (2).
Genome position (GRCh38, 1-based): chr11:108,365,414, T>A. VCF-style: chr11-108365414-T-A. GRCh37 (hg19) VCF-style: chr11-108236141-T-A.
Other names: c.9077T>A, p.Leu3026His (NM_001351834.2); c.640+20506A>T (NM_001330368.2); c.694+20506A>T (NM_001351110.2); short protein forms L3026H.
Identifiers: ClinVar variation 1496178 (VCV001496178.8), dbSNP rs1565609286, ClinGen allele CA382531743.